The following is an entry in ClinVar:

NM_001111125.3(IQSEC2):c.405G>A (p.Arg135=)

Gene: IQSEC2 (IQ motif and Sec7 domain ArfGEF 2; minus strand). Cytogenetic location: Xp11.22.
Variant type: single nucleotide variant.
Coding change: c.405G>A on transcript NM_001111125.3 (MANE Select); coding-DNA position 405, G replaced by A.
Protein change: p.Arg135=; no amino-acid change (arginine 135 retained).
Molecular consequence: synonymous variant.
Genome position (GRCh38, 1-based): chrX:53,320,719, C>T on the plus strand (G>A on the coding strand, the complement: IQSEC2 is on the minus strand). VCF-style: chrX-53320719-C-T. GRCh37 (hg19) VCF-style: chrX-53349917-C-T.
Other names: c.405G>A (NM_001111125.2).
Identifiers: ClinVar variation 384961 (VCV000384961.10), dbSNP rs782085578, ClinGen allele CA10420217.

ClinVar aggregate classification (germline): Likely benign. Review status: criteria provided, multiple submitters, no conflicts (2 of 4 stars). 3 submissions from 3 submitters: Likely benign (3). Last evaluated 2025-04-19.

Conditions:
IQSEC2-related disorder. Also called: IQSEC2-related condition.
Intellectual developmental disorder, X-linked 1. Also called: Intellectual disability, X-linked 1; Atkin Flaitz Patil Smith syndrome; MENTAL RETARDATION, X-LINKED 18; MENTAL RETARDATION, X-LINKED 78. Identifiers: Orphanet 777, MedGen C2931498, MONDO:0010656, OMIM 309530.

Allele frequency attached by ClinVar (database versions not stated): gnomAD 0.00007 and 0.00005; gnomAD exomes 0.00002 and 0.00001; TOPMed 0.00007; ExAC 0.00009.
gnomAD v4.1: 15 of 1,166,117 alleles (0.0013%); highest among the groups gnomAD compares: African/African-American, 0.014%; no homozygotes.

Submissions (3):

PreventionGenetics, part of Exact Sciences
Classification: Likely benign for IQSEC2-related condition. Last evaluated: 2025-04-19. Review status: criteria provided, single submitter. Criteria: ACMG Guidelines, 2015. Collection method: clinical testing. Allele origin: germline.
Comment: This variant is classified as likely benign based on ACMG/AMP sequence variant interpretation guidelines (Richards et al. 2015 PMID: 25741868, with internal and published modifications).

Labcorp Genetics (formerly Invitae), Labcorp
Classification: Likely benign for Intellectual developmental disorder, X-linked 1. Last evaluated: 2025-04-18. Review status: criteria provided, single submitter. Criteria: Invitae Variant Classification Sherloc (09022015). Collection method: clinical testing. Allele origin: germline.

GeneDx
Classification: Likely benign. Last evaluated: 2016-03-31. Review status: criteria provided, single submitter. Criteria: GeneDx Variant Classification (06012015). Collection method: clinical testing. Allele origin: germline. Affected: yes.
Comment: This variant is considered likely benign or benign based on one or more of the following criteria: it is a conservative change, it occurs at a poorly conserved position in the protein, it is predicted to be benign by multiple in silico algorithms, and/or has population frequency not consistent with disease.